The following is an entry in ClinVar:

ClinVar aggregate classification (germline): Uncertain significance. Review status: criteria provided, multiple submitters, no conflicts (2 of 4 stars). 2 submissions from 2 submitters: Uncertain significance (2). Last evaluated 2024-01-10.

Conditions:
Hereditary cancer-predisposing syndrome. Also called: Hereditary Cancer Syndrome; Hereditary neoplastic syndrome; Neoplastic Syndromes, Hereditary; Tumor predisposition. Identifiers: Orphanet 140162, MedGen C0027672, MeSH D009386, MONDO:0015356.

Submissions (2):

Labcorp Genetics (formerly Invitae), Labcorp
Classification: Uncertain significance. Last evaluated: 2024-01-10. Review status: criteria provided, single submitter. Criteria: Invitae Variant Classification Sherloc (09022015). Collection method: clinical testing. Allele origin: germline.
Comment: This sequence change replaces proline, which is neutral and non-polar, with leucine, which is neutral and non-polar, at codon 476 of the POLE protein (p.Pro476Leu). This variant is not present in population databases (gnomAD no frequency). This variant has not been reported in the literature in individuals affected with POLE-related conditions. ClinVar contains an entry for this variant (Variation ID: 1772399). Advanced modeling of protein sequence and biophysical properties (such as structural, functional, and spatial information, amino acid conservation, physicochemical variation, residue mobility, and thermodynamic stability) performed at Invitae indicates that this missense variant is expected to disrupt POLE protein function with a positive predictive value of 80%. In summary, the available evidence is currently insufficient to determine the role of this variant in disease. Therefore, it has been classified as a Variant of Uncertain Significance.

Ambry Genetics
Classification: Uncertain significance for Hereditary cancer-predisposing syndrome. Last evaluated: 2022-05-12. Review status: criteria provided, single submitter. Criteria: Ambry Variant Classification Scheme 2023. Collection method: clinical testing. Allele origin: germline.
Comment: The p.P476L variant (also known as c.1427C>T), located in coding exon 14 of the POLE gene, results from a C to T substitution at nucleotide position 1427. The proline at codon 476 is replaced by leucine, an amino acid with similar properties. This amino acid position is highly conserved in available vertebrate species. In addition, the in silico prediction for this alteration is inconclusive. Since supporting evidence is limited at this time, the clinical significance of this alteration remains unclear.

NM_006231.4(POLE):c.1427C>T (p.Pro476Leu)

Gene: POLE (DNA polymerase epsilon, catalytic subunit; minus strand). Cytogenetic location: 12q24.33.
Variant type: single nucleotide variant.
Coding change: c.1427C>T on transcript NM_006231.4 (MANE Select); coding-DNA position 1427, C replaced by T.
Protein change: p.Pro476Leu; replaces proline 476 with leucine.
Molecular consequence: missense variant.
Genome position (GRCh38, 1-based): chr12:132,673,210, G>A on the plus strand (C>T on the coding strand, the complement: POLE is on the minus strand). VCF-style: chr12-132673210-G-A. GRCh37 (hg19) VCF-style: chr12-133249796-G-A.
Other names: short protein forms P476L.
Identifiers: ClinVar variation 1772399 (VCV001772399.7), dbSNP rs2135996177, ClinGen allele CA387358355.